The following is an entry in ClinVar:

NM_014874.4(MFN2):c.1810G>A (p.Val604Ile)

Gene: MFN2 (mitofusin 2; plus strand). Cytogenetic location: 1p36.22.
Variant type: single nucleotide variant.
Coding change: c.1810G>A on transcript NM_014874.4 (MANE Select); coding-DNA position 1810, G replaced by A.
Protein change: p.Val604Ile; replaces valine 604 with isoleucine.
Molecular consequence: missense variant.
Genome position (GRCh38, 1-based): chr1:12,006,631, G>A. VCF-style: chr1-12006631-G-A. GRCh37 (hg19) VCF-style: chr1-12066688-G-A.
Other names: c.1810G>A, p.Val604Ile (NM_001127660.2); short protein forms V604I.
Identifiers: ClinVar variation 476768 (VCV000476768.8), dbSNP rs1553145384, ClinGen allele CA338448948.

ClinVar aggregate classification (germline): Uncertain significance (1 of 4 stars; one submission).

Conditions:
Charcot-Marie-Tooth disease type 2. Also called: Charcot-Marie-Tooth type 2. Identifiers: Orphanet 64746, MedGen C0270914, MONDO:0018993.

Submission:

Labcorp Genetics (formerly Invitae), Labcorp
Classification: Uncertain significance for Charcot-Marie-Tooth disease type 2. Last evaluated: 2017-07-19. Review status: criteria provided, single submitter. Criteria: Invitae Variant Classification Sherloc (09022015). Collection method: clinical testing. Allele origin: germline.
Comment: In summary, the available evidence is currently insufficient to determine the role of this variant in disease. Therefore, it has been classified as a Variant of Uncertain Significance. Algorithms developed to predict the effect of missense changes on protein structure and function do not agree on the potential impact of this missense change (SIFT: "Deleterious"; PolyPhen-2: "Possibly Damaging"; Align-GVGD: "Class C0"). This variant has not been reported in the literature in individuals with MFN2-related disease. This variant is not present in population databases (ExAC no frequency). This sequence change replaces valine with isoleucine at codon 604 of the MFN2 protein (p.Val604Ile). The valine residue is highly conserved and there is a small physicochemical difference between valine and isoleucine.